The following is an entry in ClinVar:

NM_000138.5(FBN1):c.3522C>T (p.Leu1174=)

Gene: FBN1 (fibrillin 1; minus strand). Cytogenetic location: 15q21.1.
Variant type: single nucleotide variant.
Coding change: c.3522C>T on transcript NM_000138.5 (MANE Select); coding-DNA position 3522, C replaced by T.
Protein change: p.Leu1174=; no amino-acid change (leucine 1174 retained).
Molecular consequence: synonymous variant.
Genome position (GRCh38, 1-based): chr15:48,487,142, G>A on the plus strand (C>T on the coding strand, the complement: FBN1 is on the minus strand). VCF-style: chr15-48487142-G-A. GRCh37 (hg19) VCF-style: chr15-48779339-G-A.
Identifiers: ClinVar variation 511668 (VCV000511668.18), dbSNP rs778312047, ClinGen allele CA051025.

ClinVar aggregate classification (germline): Likely benign. Review status: criteria provided, multiple submitters, no conflicts (2 of 4 stars). 5 submissions from 5 submitters: Likely benign (5). Last evaluated 2024-11-21.

Conditions:
Familial thoracic aortic aneurysm and aortic dissection (TAAD). Also called: Thoracic aortic aneurysms and dissections. Identifiers: Orphanet 91387, MedGen C4707243, MONDO:0019625.
Marfan syndrome (MFS). Also called: Marfan syndrome type 1; Marfan syndrome, classic; Marfan's syndrome; FBN1-Related Marfan Syndrome; MARFAN SYNDROME, TYPE I. Identifiers: Orphanet 284963, Orphanet 558, MedGen C0024796, MONDO:0007947, OMIM 154700.

Allele frequency attached by ClinVar (database versions not stated): gnomAD 0.00001; TOPMed 0.00002.
gnomAD v4.1: 17 of 1,614,056 alleles (0.0011%); highest among the groups gnomAD compares: Admixed American, 0.028%; no homozygotes.

Submissions (5):

Labcorp Genetics (formerly Invitae), Labcorp
Classification: Likely benign for Marfan syndrome; Familial thoracic aortic aneurysm and aortic dissection. Last evaluated: 2024-11-21. Review status: criteria provided, single submitter. Criteria: Invitae Variant Classification Sherloc (09022015). Collection method: clinical testing. Allele origin: germline.

All of Us Research Program, National Institutes of Health
Classification: Likely benign for Marfan syndrome. Last evaluated: 2023-08-15. Review status: criteria provided, single submitter. Criteria: ACMG Guidelines, 2015. Collection method: clinical testing. Allele origin: germline. Inheritance: Autosomal dominant inheritance. Observed: 2 variant alleles, 2 heterozygotes.
Comment: This study involves interpretation of variants in research participants for the purpose of population health screening. Participant phenotype was not available at the time of variant classification. Additional details can be found in publication PMID: 35346344, PMCID: PMC8962531

Ambry Genetics
Classification: Likely benign for Familial thoracic aortic aneurysm and aortic dissection. Last evaluated: 2019-10-28. Review status: criteria provided, single submitter. Criteria: Ambry Variant Classification Scheme 2023. Collection method: clinical testing. Allele origin: germline.

Color Diagnostics, LLC DBA Color Health
Classification: Likely benign for Familial thoracic aortic aneurysm and aortic dissection. Last evaluated: 2019-10-14. Review status: criteria provided, single submitter. Criteria: ACMG Guidelines, 2015. Collection method: clinical testing. Allele origin: germline.

GeneDx
Classification: Likely benign. Last evaluated: 2019-06-12. Review status: criteria provided, single submitter. Criteria: GeneDx Variant Classification Process June 2021. Collection method: clinical testing. Allele origin: germline. Affected: yes.